The following is an entry in ClinVar:

NM_024422.6(DSC2):c.1354G>T (p.Ala452Ser)

Gene: DSC2 (desmocollin 2; minus strand). Cytogenetic location: 18q12.1.
Variant type: single nucleotide variant.
Coding change: c.1354G>T on transcript NM_024422.6 (MANE Select); coding-DNA position 1354, G replaced by T.
Protein change: p.Ala452Ser; replaces alanine 452 with serine.
Molecular consequence: missense variant.
Genome position (GRCh38, 1-based): chr18:31,080,262, C>A on the plus strand (G>T on the coding strand, the complement: DSC2 is on the minus strand). VCF-style: chr18-31080262-C-A. GRCh37 (hg19) VCF-style: chr18-28660228-C-A.
Other names: c.925G>T, p.Ala309Ser (NM_001406506.1, NM_001406507.1); c.1354G>T, p.Ala452Ser (NM_004949.5); short protein forms A309S, A452S.
Identifiers: ClinVar variation 3071101 (VCV003071101.1), dbSNP rs570979787, ClinGen allele CA031108.
Genomic context (GRCh38, chr18:31,080,262, plus strand): 5'-TACACTCAGGGCCCTCATCCTGATCTTCTACATTAACAGTAACTGTTGCTGTGCTCATGG[C>A]TGATCTTGGACTAGCCTCTCTGGAAAATGGAGCTTCATTAACTACACCAATTTGCAAGAT-3'
Protein context (NP_077740.1, residues 442-462): PFSREASPRS[Ala452Ser]MSTATVTVNV

ClinVar aggregate classification (germline): Uncertain significance (1 of 4 stars; one submission).

Conditions:
Familial isolated arrhythmogenic right ventricular dysplasia. Identifiers: Orphanet 217656, MedGen C4274968, MONDO:0016342.

Allele frequency attached by ClinVar (database versions not stated): ExAC 0.00001; 1000 Genomes Project 30x 0.00016; 1000 Genomes Project 0.00020.
gnomAD v4.1: 1 of 1,614,072 alleles (0.000062%); highest among the groups gnomAD compares: East Asian, 0.0022%; no homozygotes.

Submission:

All of Us Research Program, National Institutes of Health
Classification: Uncertain significance for Familial isolated arrhythmogenic right ventricular dysplasia. Last evaluated: 2023-09-17. Review status: criteria provided, single submitter. Criteria: ACMG Guidelines, 2015. Collection method: clinical testing. Allele origin: germline. Inheritance: Autosomal dominant inheritance. Observed: 2 variant alleles, 2 heterozygotes.
Comment: This missense variant replaces alanine with serine at codon 452 of the DSC2 protein. Computational prediction suggests that this variant may not impact protein structure and function (internally defined REVEL score threshold <= 0.5, PMID: 27666373). To our knowledge, functional studies have not been reported for this variant. This variant has not been reported in individuals affected with DSC2-related disorders in the literature. This variant has not been identified in the general population by the Genome Aggregation Database (gnomAD). The available evidence is insufficient to determine the role of this variant in disease conclusively. Therefore, this variant is classified as a Variant of Uncertain Significance.

This study involves interpretation of variants in research participants for the purpose of population health screening. Participant phenotype was not available at the time of variant classification. Additional details can be found in publication PMID: 35346344, PMCID: PMC8962531